The following is an entry in ClinVar:

ClinVar aggregate classification (germline): Likely benign (1 of 4 stars; one submission).

gnomAD v4.1: 3 of 1,613,958 alleles (0.00019%); highest among the groups gnomAD compares: Admixed American, 0.0017%; no homozygotes.

Submission:

CeGaT Center for Human Genetics Tuebingen
Classification: Likely benign. Last evaluated: 2024-09-01. Review status: criteria provided, single submitter. Criteria: CeGaT Center For Human Genetics Tuebingen Variant Classification Criteria Version 2. Collection method: clinical testing. Allele origin: germline. Affected: yes. Observed: 1 variant allele.
Comment: IFT70B: BP4, BP7

NM_152517.3(IFT70B):c.1599T>C (p.Tyr533=)

Gene: IFT70B (intraflagellar transport 70B; minus strand). Cytogenetic location: 2q31.2.
Variant type: single nucleotide variant.
Coding change: c.1599T>C on transcript NM_152517.3 (MANE Select); coding-DNA position 1599, T replaced by C.
Protein change: p.Tyr533=; no amino-acid change (tyrosine 533 retained).
Molecular consequence: synonymous variant.
Genome position (GRCh38, 1-based): chr2:177,551,165, A>G on the plus strand (T>C on the coding strand, the complement: IFT70B is on the minus strand). VCF-style: chr2-177551165-A-G. GRCh37 (hg19) VCF-style: chr2-178415893-A-G.
Identifiers: ClinVar variation 3389590 (VCV003389590.14).